The following is an entry in ClinVar:

ClinVar aggregate classification (germline): Uncertain significance. Review status: criteria provided, multiple submitters, no conflicts (2 of 4 stars). 2 submissions from 2 submitters: Uncertain significance (2). Last evaluated 2024-03-01.

Conditions:
Inborn genetic diseases. Identifiers: MedGen C0950123, MeSH D030342.
Multiple gastrointestinal atresias. Also called: Multiple intestinal atresia; FAMILIAL INTESTINAL POLYATRESIA SYNDROME. Identifiers: Orphanet 2300, MedGen C0220744, MONDO:0009465.

Allele frequency attached by ClinVar (database versions not stated): gnomAD 0.00001; gnomAD exomes 0.00001 and 0.00006; TOPMed 0.00004; ExAC 0.00007.
gnomAD v4.1: 18 of 1,613,518 alleles (0.0011%); highest among the groups gnomAD compares: East Asian, 0.033%; no homozygotes.

Submissions (2):

Ambry Genetics
Classification: Uncertain significance for Inborn genetic diseases. Last evaluated: 2024-03-01. Review status: criteria provided, single submitter. Criteria: Ambry Variant Classification Scheme 2023. Collection method: clinical testing. Allele origin: germline.

Labcorp Genetics (formerly Invitae), Labcorp
Classification: Uncertain significance for Multiple gastrointestinal atresias. Last evaluated: 2020-03-08. Review status: criteria provided, single submitter. Criteria: Invitae Variant Classification Sherloc (09022015). Collection method: clinical testing. Allele origin: germline.
Comment: This sequence change replaces valine with aspartic acid at codon 397 of the TTC7A protein (p.Val397Asp). The valine residue is weakly conserved and there is a large physicochemical difference between valine and aspartic acid. This variant is present in population databases (rs374669143, ExAC 0.1%). This variant has not been reported in the literature in individuals with TTC7A-related conditions. Algorithms developed to predict the effect of missense changes on protein structure and function (SIFT, PolyPhen-2, Align-GVGD) all suggest that this variant is likely to be tolerated, but these predictions have not been confirmed by published functional studies and their clinical significance is uncertain. In summary, the available evidence is currently insufficient to determine the role of this variant in disease. Therefore, it has been classified as a Variant of Uncertain Significance.

NM_020458.4(TTC7A):c.1190T>A (p.Val397Asp)

Gene: TTC7A (tetratricopeptide repeat domain 7A; plus strand). Cytogenetic location: 2p21.
Variant type: single nucleotide variant.
Coding change: c.1190T>A on transcript NM_020458.4 (MANE Select); coding-DNA position 1190, T replaced by A.
Protein change: p.Val397Asp; replaces valine 397 with aspartic acid.
Molecular consequence: missense variant.
Genome position (GRCh38, 1-based): chr2:47,006,046, T>A. VCF-style: chr2-47006046-T-A. GRCh37 (hg19) VCF-style: chr2-47233185-T-A.
Other names: c.1190T>A (NM_020458.2); c.1190T>A, p.Val397Asp (NM_001288951.2); c.1088T>A, p.Val363Asp (NM_001288953.2); c.128T>A, p.Val43Asp (NM_001288955.2); short protein forms V363D, V397D, V43D.
Identifiers: ClinVar variation 1015870 (VCV001015870.10), dbSNP rs374669143, ClinGen allele CA1647524.